The following is an entry in ClinVar:

ClinVar aggregate classification (germline): Pathogenic. Review status: criteria provided, multiple submitters, no conflicts (2 of 4 stars). 2 submissions from 2 submitters: Pathogenic (2). Last evaluated 2026-10-10.

Conditions:
Neurodevelopmental-craniofacial syndrome with variable renal and cardiac abnormalities. Identifiers: MedGen C5561984, MONDO:0859190, OMIM 619522.

gnomAD v4.1: 1 of 1,605,026 alleles (0.000062%); highest among the groups gnomAD compares: East Asian, 0.0022%; no homozygotes.

Submissions (2):

GeneDx
Classification: Pathogenic. Last evaluated: 2026-10-10. Review status: criteria provided, single submitter. Criteria: GeneDx Variant Classification Process June 2021. Collection method: clinical testing. Allele origin: germline.
Comment: Not observed at significant frequency in large population cohorts (gnomAD); Has not been previously published as pathogenic or benign to our knowledge; Nonsense variant predicted to result in protein truncation or nonsense mediated decay in a gene for which loss of function is a known mechanism of disease

Clinical Genomics, G42 Labs
Classification: Pathogenic for Neurodevelopmental-craniofacial syndrome with variable renal and cardiac abnormalities. Last evaluated: 2025-02-25. Review status: criteria provided, single submitter. Criteria: ACMG Guidelines, 2015. Collection method: clinical testing. Allele origin: germline. Inheritance: Autosomal dominant inheritance. Affected: yes. Observed: 1 variant allele.
Comment: The c.3583C>T, p.(Arg1195*) is a nonsense variant in ZMYM2 gene, thereby leading to premature truncation of c-terminus of the protein. Loss-of-function variants in ZMYM2 are known to be pathogenic (PMID: 32891193). Allele frequency of this variant in GnomAD population database is 0.0002% (1/ 152068 alleles, no homozygotes). One clinical laboratory has classified this variant as pathogenic (Variation ID: VCV003365273.1). Based on the above reasons, this variant is classified as pathogenic. ACMG Criteria: PVS1, PM2, PP5 - Pathogenic

Literature cited by the submitters: PubMed 32891193 (cited by Clinical Genomics, G42 Labs).

NM_197968.4(ZMYM2):c.3583C>T (p.Arg1195Ter)

Gene: ZMYM2 (zinc finger MYM-type containing 2; plus strand). Cytogenetic location: 13q12.11.
Variant type: single nucleotide variant.
Coding change: c.3583C>T on transcript NM_197968.4 (MANE Select); coding-DNA position 3583, C replaced by T.
Protein change: p.Arg1195Ter; replaces arginine 1195 with a stop codon.
Molecular consequence: nonsense. On other transcripts: non-coding transcript variant (1).
Genome position (GRCh38, 1-based): chr13:20,082,795, C>T. VCF-style: chr13-20082795-C-T. GRCh37 (hg19) VCF-style: chr13-20656935-C-T.
Other names: c.3583C>T, p.Arg1195Ter (NM_001190964.4, NM_001190965.4, NM_001353157.2 and 4 more transcripts); c.3388C>T, p.Arg1130Ter (NM_001353161.3); c.3322C>T, p.Arg1108Ter (NM_001353163.2); short protein forms R1108*, R1130*, R1195*.
Identifiers: ClinVar variation 3365273 (VCV003365273.5).